The following is an entry in ClinVar:

NM_032242.4(PLXNA1):c.2568C>T (p.His856=)

Gene: PLXNA1 (plexin A1; plus strand). Cytogenetic location: 3q21.3.
Variant type: single nucleotide variant.
Coding change: c.2568C>T on transcript NM_032242.4 (MANE Select); coding-DNA position 2568, C replaced by T.
Protein change: p.His856=; no amino-acid change (histidine 856 retained).
Molecular consequence: synonymous variant.
Genome position (GRCh38, 1-based): chr3:127,014,339, C>T. VCF-style: chr3-127014339-C-T. GRCh37 (hg19) VCF-style: chr3-126733182-C-T.
Identifiers: ClinVar variation 3060431 (VCV003060431.3), dbSNP rs920317173, ClinGen allele CA83312848.

ClinVar aggregate classification (germline): Likely benign. Review status: criteria provided, single submitter (1 of 4 stars). 2 submissions from 2 submitters: Likely benign (1). 1 of the submissions does not count toward it. Last evaluated 2025-12-23.

Conditions:
PLXNA1-related disorder. Also called: PLXNA1-related condition.

gnomAD v4.1: 9 of 1,595,584 alleles (0.00056%); highest among the groups gnomAD compares: African/African-American, 0.0027%; no homozygotes.

Submissions (2):

Labcorp Genetics (formerly Invitae), Labcorp
Classification: Likely benign. Last evaluated: 2025-12-23. Review status: criteria provided, single submitter. Criteria: Invitae Variant Classification Sherloc (09022015). Collection method: clinical testing. Allele origin: germline.

PreventionGenetics, part of Exact Sciences
Classification: Likely benign for PLXNA1-related condition. Last evaluated: 2021-09-16. Review status: no assertion criteria provided. Collection method: clinical testing. Allele origin: germline. Not counted in ClinVar's aggregate classification.
Comment: This variant is classified as likely benign based on ACMG/AMP sequence variant interpretation guidelines (Richards et al. 2015 PMID: 25741868, with internal and published modifications).